The following is an entry in ClinVar:

ClinVar aggregate classification (germline): Likely benign. Review status: criteria provided, multiple submitters, no conflicts (2 of 4 stars). 2 submissions from 2 submitters: Likely benign (2). Last evaluated 2026-02-01.

Allele frequency attached by ClinVar (database versions not stated): ExAC 0.00001; gnomAD 0.00002; gnomAD exomes 0.00003; TOPMed 0.00003.
gnomAD v4.1: 39 of 1,613,300 alleles (0.0024%); highest among the groups gnomAD compares: East Asian, 0.0045%; no homozygotes.

Submissions (2):

CeGaT Center for Human Genetics Tuebingen
Classification: Likely benign. Last evaluated: 2026-02-01. Review status: criteria provided, single submitter. Criteria: CeGaT Center For Human Genetics Tuebingen Variant Classification Criteria Version 2. Collection method: clinical testing. Allele origin: germline. Affected: yes. Observed: 1 variant allele.
Comment: BRF1: BP4, BP7

Labcorp Genetics (formerly Invitae), Labcorp
Classification: Likely benign. Last evaluated: 2018-05-13. Review status: criteria provided, single submitter. Criteria: Invitae Variant Classification Sherloc (09022015). Collection method: clinical testing. Allele origin: germline.

NM_001519.4(BRF1):c.879G>A (p.Ser293=)

Gene: BRF1 (BRF1 general transcription factor IIIB subunit; minus strand). Cytogenetic location: 14q32.33.
Variant type: single nucleotide variant.
Coding change: c.879G>A on transcript NM_001519.4 (MANE Select); coding-DNA position 879, G replaced by A.
Protein change: p.Ser293=; no amino-acid change (serine 293 retained).
Molecular consequence: synonymous variant.
Genome position (GRCh38, 1-based): chr14:105,226,670, C>T on the plus strand (G>A on the coding strand, the complement: BRF1 is on the minus strand). VCF-style: chr14-105226670-C-T. GRCh37 (hg19) VCF-style: chr14-105693007-C-T.
Other names: c.534G>A, p.Ser178= (NM_001242786.2, NM_001242787.2); c.798G>A, p.Ser266= (NM_001242788.2); c.165G>A, p.Ser55= (NM_001242789.2); c.267G>A, p.Ser89= (NM_145685.3).
Identifiers: ClinVar variation 745860 (VCV000745860.7), dbSNP rs765277183, ClinGen allele CA7387408.
Genomic context (GRCh38, chr14:105,226,670, plus strand): 5'-GACAGACACCAAAGCCGGCGCTACCTGCTTCATCCGCAGCTTCCTCTGCCCAGCTGTGTA[C>T]GAGGGGGGGTCGCACTCCTCCTCCAGGTCGATCTTCATGAACTCATCAATGGTCAACTGA-3'
Protein context (NP_001510.2, residues 283-303): IDLEEECDPP[Ser293=]YTAGQRKLRM